The following is an entry in ClinVar:

NM_018979.4(WNK1):c.6836C>T (p.Pro2279Leu)

Gene: WNK1 (WNK lysine deficient protein kinase 1; plus strand). Cytogenetic location: 12p13.33.
Variant type: single nucleotide variant.
Coding change: c.6836C>T on transcript NM_018979.4 (MANE Select); coding-DNA position 6836, C replaced by T.
Protein change: p.Pro2279Leu; replaces proline 2279 with leucine.
Molecular consequence: missense variant.
Genome position (GRCh38, 1-based): chr12:908,479, C>T. VCF-style: chr12-908479-C-T. GRCh37 (hg19) VCF-style: chr12-1017645-C-T.
Other names: c.7616C>T, p.Pro2539Leu (NM_001184985.2); c.6092C>T, p.Pro2031Leu (NM_014823.3); c.7592C>T, p.Pro2531Leu (NM_213655.5); short protein forms P2279L, P2539L, P2031L, P2531L.
Identifiers: ClinVar variation 847292 (VCV000847292.9), dbSNP rs1955886652, ClinGen allele CA383340753.

ClinVar aggregate classification (germline): Uncertain significance (1 of 4 stars; one submission).

Conditions:
Pseudohypoaldosteronism type 2C (PHA2C). Also called: Pseudohypoaldosteronism Type IIC. Identifiers: Orphanet 757, Orphanet 88940, MedGen C1840391, MONDO:0013778, OMIM 614492.
Neuropathy, hereditary sensory and autonomic, type 2A (HSAN2A). Also called: MORVAN DISEASE; NEUROPATHY, CONGENITAL SENSORY; NEUROPATHY, HEREDITARY SENSORY RADICULAR, AUTOSOMAL RECESSIVE; NEUROPATHY, HEREDITARY SENSORY, TYPE IIA; NEUROPATHY, PROGRESSIVE SENSORY, OF CHILDREN; WNK1-Related HSAN2 (HSAN2A). Identifiers: Orphanet 970, MedGen C2752089, MONDO:0024309, OMIM 201300.

Submission:

Labcorp Genetics (formerly Invitae), Labcorp
Classification: Uncertain significance for Neuropathy, hereditary sensory and autonomic, type 2A; Pseudohypoaldosteronism type 2C. Last evaluated: 2019-11-25. Review status: criteria provided, single submitter. Criteria: Invitae Variant Classification Sherloc (09022015). Collection method: clinical testing. Allele origin: germline.
Comment: In summary, the available evidence is currently insufficient to determine the role of this variant in disease. Therefore, it has been classified as a Variant of Uncertain Significance. Algorithms developed to predict the effect of missense changes on protein structure and function are either unavailable or do not agree on the potential impact of this missense change (SIFT: "Deleterious"; PolyPhen-2: "Not Available"; Align-GVGD: "Class C0"). This variant has not been reported in the literature in individuals with WNK1-related conditions. This variant is not present in population databases (ExAC no frequency). This sequence change replaces proline with leucine at codon 2531 of the WNK1 protein (p.Pro2531Leu). The proline residue is highly conserved and there is a moderate physicochemical difference between proline and leucine.